The following is an entry in ClinVar:

NM_007294.4(BRCA1):c.3365_3366del (p.Thr1122fs)

Genes: BRCA1 (BRCA1 DNA repair associated; minus strand), LOC126862571 (BRD4-independent group 4 enhancer GRCh37_chr17:41243136-41244335; plus strand). Cytogenetic location: 17q21.31.
Variant type: Deletion.
Coding change: c.3365_3366del on transcript NM_007294.4 (MANE Select); coding-DNA positions 3365 to 3366, 2 bases deleted (CA; older notation c.3365_3366delCA).
Protein change: p.Thr1122fs; shifts the reading frame from threonine 1122.
Molecular consequence: frameshift variant. On other transcripts: intron variant (137).
Genome position (GRCh38, 1-based): chr17:43,092,165-43,092,166, TG deleted on the plus strand (CA on the coding strand, the reverse complement: BRCA1 is on the minus strand); deleting any 2 consecutive bases within chr17:43,092,165-43,092,167 gives the same sequence; the c. name uses the placement nearest the transcript's 3' end. VCF-style (leftmost placement, unchanged base first): chr17-43092164-CTG-C. GRCh37 (hg19) VCF-style: chr17-41244181-CTG-C.
Other names: 3484delCA; c.3365_3366delCA (NM_007294.3); c.3365_3366del, p.Thr1122fs (NM_001407859.1, NM_007300.4, NM_001407581.1 and 30 more transcripts); c.3362_3363del, p.Thr1121fs (NM_001407860.1, NM_001407861.1, NM_001407587.1 and 22 more transcripts); c.3164_3165del, p.Thr1055fs (NM_001407862.1); c.3242_3243del, p.Thr1081fs (NM_001407863.1, NM_001407919.1, NM_001407937.1 and 19 more transcripts); c.3161_3162del, p.Thr1054fs (NM_001407874.1, NM_001407875.1); c.3155_3156del, p.Thr1052fs (NM_001407879.1, NM_001407881.1, NM_001407882.1 and 13 more transcripts); and 43 more; short protein forms T1075fs, T1122fs, T1055fs, T1096fs, T994fs, T1033fs, T1052fs, T1054fs.
Identifiers: ClinVar variation 54859 (VCV000054859.21), dbSNP rs80357892, ClinGen allele CA002184.

ClinVar aggregate classification (germline): Pathogenic. Review status: reviewed by expert panel (3 of 4 stars). 8 submissions from 8 submitters: Pathogenic (1). 7 of the submissions do not count toward it. Last evaluated 2016-09-08.

Conditions:
Hereditary cancer-predisposing syndrome. Also called: Tumor predisposition; Neoplastic Syndromes, Hereditary; Hereditary Cancer Syndrome; Hereditary neoplastic syndrome. Identifiers: Orphanet 140162, MedGen C0027672, MeSH D009386, MONDO:0015356.
Hereditary breast ovarian cancer syndrome. Also called: Hereditary breast and ovarian cancer syndrome (HBOC); Hereditary breast and ovarian cancer syndrome; Hereditary breast and ovarian cancer; Hereditary breast and/or ovarian cancer syndrome; Breast and ovarian cancer; BRCA1- and BRCA2-Associated Hereditary Breast and Ovarian Cancer. Identifiers: Orphanet 145, MedGen C0677776, MeSH D061325, MONDO:0003582. Disease mechanism: loss of function.
Breast-ovarian cancer, familial, susceptibility to, 1 (BROVCA1). Also called: OVARIAN CANCER, SUSCEPTIBILITY TO; BRCA1 Hereditary Breast and Ovarian Cancer. Identifiers: Orphanet 145, MedGen C2676676, MONDO:0011450, OMIM 604370. Disease mechanism: loss of function.

Submissions (8):

Evidence-based Network for the Interpretation of Germline Mutant Alleles (ENIGMA)
Classification: Pathogenic for Breast-ovarian cancer, familial, susceptibility to, 1. Last evaluated: 2016-09-08. Review status: reviewed by expert panel. Criteria: ENIGMA BRCA1/2 Classification Criteria (2015). Collection method: curation. Allele origin: germline.
Comment: Variant allele predicted to encode a truncated non-functional protein.

Labcorp Genetics (formerly Invitae), Labcorp
Classification: Pathogenic for Hereditary breast ovarian cancer syndrome. Last evaluated: 2025-08-04. Review status: criteria provided, single submitter. Criteria: Invitae Variant Classification Sherloc (09022015). Collection method: clinical testing. Allele origin: germline. Not counted in ClinVar's aggregate classification.
Comment: This sequence change creates a premature translational stop signal (p.Thr1122Argfs*10) in the BRCA1 gene. It is expected to result in an absent or disrupted protein product. Loss-of-function variants in BRCA1 are known to be pathogenic (PMID: 20104584). This variant is not present in population databases (gnomAD no frequency). This premature translational stop signal has been observed in individual(s) with breast cancer (PMID: 27469594). This variant is also known as 3484delCA. ClinVar contains an entry for this variant (Variation ID: 54859). For these reasons, this variant has been classified as Pathogenic.

All of Us Research Program, National Institutes of Health
Classification: Pathogenic for Breast-ovarian cancer, familial, susceptibility to, 1. Last evaluated: 2023-07-19. Review status: criteria provided, single submitter. Criteria: ACMG Guidelines, 2015. Collection method: clinical testing. Allele origin: germline. Inheritance: Autosomal dominant inheritance. Observed: 1 variant allele, 1 heterozygote. Not counted in ClinVar's aggregate classification.
Comment: This variant deletes 2 nucleotides in exon 10 of the BRCA1 gene, creating a frameshift and premature translation stop signal. This variant is expected to result in an absent or non-functional protein product. This variant has been reported in an individual affected with breast cancer (PMID: 27469594). This variant has not been identified in the general population by the Genome Aggregation Database (gnomAD). Loss of BRCA1 function is a known mechanism of disease. Based on the available evidence, this variant is classified as Pathogenic.

This study involves interpretation of variants in research participants for the purpose of population health screening. Participant phenotype was not available at the time of variant classification. Additional details can be found in publication PMID: 35346344, PMCID: PMC8962531

Ambry Genetics
Classification: Pathogenic for Hereditary cancer-predisposing syndrome. Last evaluated: 2022-06-10. Review status: criteria provided, single submitter. Criteria: Ambry Variant Classification Scheme 2023. Collection method: clinical testing. Allele origin: germline. Not counted in ClinVar's aggregate classification.
Comment: The c.3365_3366delCA pathogenic mutation, located in coding exon 9 of the BRCA1 gene, results from a deletion of two nucleotides at nucleotide positions 3365 to 3366, causing a translational frameshift with a predicted alternate stop codon (p.T1122Rfs*10). This variant is considered to be rare based on population cohorts in the Genome Aggregation Database (gnomAD). This alteration is expected to result in loss of function by premature protein truncation or nonsense-mediated mRNA decay. As such, this alteration is interpreted as a disease-causing mutation.

Quest Diagnostics Nichols Institute San Juan Capistrano
Classification: Pathogenic. Last evaluated: 2015-12-30. Review status: criteria provided, single submitter. Criteria: Quest Diagnostics criteria. Collection method: clinical testing. Allele origin: unknown. Not counted in ClinVar's aggregate classification.

Consortium of Investigators of Modifiers of BRCA1/2 (CIMBA), c/o University of Cambridge
Classification: Pathogenic for Breast-ovarian cancer, familial, susceptibility to, 1. Last evaluated: 2015-10-02. Review status: criteria provided, single submitter. Criteria: CIMBA Mutation Classification guidelines May 2016. Collection method: clinical testing. Allele origin: germline. Not counted in ClinVar's aggregate classification.

Research Molecular Genetics Laboratory, Women's College Hospital, University of Toronto
Classification: Pathogenic for Hereditary breast ovarian cancer syndrome. Last evaluated: 2014-01-31. Review status: no assertion criteria provided. Collection method: research. Allele origin: germline. Affected: yes. Study: The Canadian Open Genetics Repository (COGR). Not counted in ClinVar's aggregate classification.

Breast Cancer Information Core (BIC) (BRCA1)
Classification: Pathogenic for Breast-ovarian cancer, familial 1. Last evaluated: 2002-05-29. Review status: no assertion criteria provided. Collection method: clinical testing. Allele origin: germline. Affected: yes. Observed: 1 variant allele. Not counted in ClinVar's aggregate classification.

Literature cited by the submitters: PubMed 20104584 (cited by Labcorp Genetics (formerly Invitae), Labcorp); PubMed 27469594 (cited by Labcorp Genetics (formerly Invitae), Labcorp and All of Us Research Program, National Institutes of Health).